The following is an entry in ClinVar:

ClinVar aggregate classification (germline): Uncertain significance (1 of 4 stars; one submission).

Allele frequency attached by ClinVar (database versions not stated): TOPMed 0.00001.
gnomAD v4.1: 6 of 1,613,980 alleles (0.00037%); highest among the groups gnomAD compares: Non-Finnish European, 0.00051%; no homozygotes.

Submission:

Labcorp Genetics (formerly Invitae), Labcorp
Classification: Uncertain significance. Last evaluated: 2024-10-24. Review status: criteria provided, single submitter. Criteria: Invitae Variant Classification Sherloc (09022015). Collection method: clinical testing. Allele origin: germline.
Comment: This sequence change replaces aspartic acid, which is acidic and polar, with tyrosine, which is neutral and polar, at codon 206 of the KIAA0753 protein (p.Asp206Tyr). This variant is not present in population databases (gnomAD no frequency). This variant has not been reported in the literature in individuals affected with KIAA0753-related conditions. ClinVar contains an entry for this variant (Variation ID: 1428145). An algorithm developed to predict the effect of missense changes on protein structure and function (PolyPhen-2) suggests that this variant is likely to be disruptive. In summary, the available evidence is currently insufficient to determine the role of this variant in disease. Therefore, it has been classified as a Variant of Uncertain Significance.

NM_014804.3(KIAA0753):c.616G>T (p.Asp206Tyr)

Gene: KIAA0753 (KIAA0753; minus strand). Cytogenetic location: 17p13.1.
Variant type: single nucleotide variant.
Coding change: c.616G>T on transcript NM_014804.3 (MANE Select); coding-DNA position 616, G replaced by T.
Protein change: p.Asp206Tyr; replaces aspartic acid 206 with tyrosine.
Molecular consequence: missense variant. On other transcripts: 5 prime UTR variant (1), non-coding transcript variant (3).
Genome position (GRCh38, 1-based): chr17:6,628,219, C>A on the plus strand (G>T on the coding strand, the complement: KIAA0753 is on the minus strand). VCF-style: chr17-6628219-C-A. GRCh37 (hg19) VCF-style: chr17-6531539-C-A.
Other names: c.-619G>T (NM_001351225.2); short protein forms D206Y.
Identifiers: ClinVar variation 1428145 (VCV001428145.6), dbSNP rs1971797614, ClinGen allele CA397414515.
Genomic context (GRCh38, chr17:6,628,219, plus strand): 5'-GTTCTTTCTGGAGTCGCTGGACTTCTAGCAGGCTTTTCTGTTCACTTATGTTTTTGTGGT[C>A]ACCTATCCTGGGATGAGGCTGAAGTCCCGGATCATGGGTGGGTGGCGAATTTGGCACAGT-3'
Protein context (NP_055619.2, residues 196-216): PGLQPHPRIG[Asp206Tyr]HKNISEQKSL